The following is an entry in ClinVar:

ClinVar aggregate classification (germline): Likely pathogenic (1 of 4 stars; one submission).

Conditions:
Marfan syndrome (MFS). Also called: MARFAN SYNDROME, TYPE I; Marfan syndrome type 1; Marfan's syndrome; Marfan syndrome, classic; FBN1-Related Marfan Syndrome. Identifiers: Orphanet 284963, Orphanet 558, MedGen C0024796, MONDO:0007947, OMIM 154700.

Submission:

3billion
Classification: Likely pathogenic for Marfan syndrome. Last evaluated: 2024-02-13. Review status: criteria provided, single submitter. Criteria: ACMG Guidelines, 2015. Collection method: clinical testing. Allele origin: germline. Affected: yes.
Comment: The variant is not observed in the gnomAD v2.1.1 dataset. Predicted Consequence/Location: Stop-gained (nonsense): predicted to result in a loss or disruption of normal protein function through nonsense-mediated decay (NMD) or protein truncation. Multiple pathogenic variants are reported downstream of the variant. Therefore, this variant is classified as Likely pathogenic according to the recommendation of ACMG/AMP guideline.

NM_000138.5(FBN1):c.907G>T (p.Glu303Ter)

Gene: FBN1 (fibrillin 1; minus strand). Cytogenetic location: 15q21.1.
Variant type: single nucleotide variant.
Coding change: c.907G>T on transcript NM_000138.5 (MANE Select); coding-DNA position 907, G replaced by T.
Protein change: p.Glu303Ter; replaces glutamic acid 303 with a stop codon.
Molecular consequence: nonsense.
Genome position (GRCh38, 1-based): chr15:48,526,211, C>A on the plus strand (G>T on the coding strand, the complement: FBN1 is on the minus strand). VCF-style: chr15-48526211-C-A. GRCh37 (hg19) VCF-style: chr15-48818408-C-A.
Other names: c.907G>T, p.Glu303Ter (NM_001406716.1); short protein forms E303*.
Identifiers: ClinVar variation 3775978 (VCV003775978.1).